The following is an entry in ClinVar:

NM_058216.3(RAD51C):c.504A>G (p.Arg168=)

Gene: RAD51C (RAD51 paralog C; plus strand). Cytogenetic location: 17q22.
Variant type: single nucleotide variant.
Coding change: c.504A>G on transcript NM_058216.3 (MANE Select); coding-DNA position 504, A replaced by G.
Protein change: p.Arg168=; no amino-acid change (arginine 168 retained).
Molecular consequence: synonymous variant.
Genome position (GRCh38, 1-based): chr17:58,696,792, A>G. VCF-style: chr17-58696792-A-G. GRCh37 (hg19) VCF-style: chr17-56774153-A-G.
Other names: c.504A>G (LRG_314t1).
Identifiers: ClinVar variation 482183 (VCV000482183.17), dbSNP rs1555594805, ClinGen allele CA501074992.

ClinVar aggregate classification (germline): Benign/Likely benign. Review status: criteria provided, multiple submitters, no conflicts (2 of 4 stars). 4 submissions from 4 submitters: Benign (1); Likely benign (3). Last evaluated 2025-02-18.

Conditions:
Hereditary cancer-predisposing syndrome. Also called: Hereditary neoplastic syndrome; Neoplastic Syndromes, Hereditary; Tumor predisposition; Hereditary Cancer Syndrome. Identifiers: Orphanet 140162, MedGen C0027672, MeSH D009386, MONDO:0015356.
Fanconi anemia complementation group O. Also called: RAD51C-Related Fanconi Anemia. Identifiers: Orphanet 84, MedGen C3150653, MONDO:0013248, OMIM 613390.
Breast-ovarian cancer, familial, susceptibility to, 3. Also called: RAD51C-Related Breast/Ovarian Cancer. Identifiers: Orphanet 145, MedGen C3150659, MONDO:0013253, OMIM 613399.

Submissions (4):

Myriad Genetics, Inc.
Classification: Benign for Breast-ovarian cancer, familial, susceptibility to, 3. Last evaluated: 2025-02-18. Review status: criteria provided, single submitter. Criteria: Myriad Autosomal Dominant, Autosomal Recessive and X-Linked Classification Criteria (2023). Collection method: clinical testing. Allele origin: unknown.
Comment: This variant is considered benign. This variant is a silent/synonymous amino acid change and it is not expected to impact splicing.

Labcorp Genetics (formerly Invitae), Labcorp
Classification: Likely benign for Fanconi anemia complementation group O. Last evaluated: 2024-02-02. Review status: criteria provided, single submitter. Criteria: Invitae Variant Classification Sherloc (09022015). Collection method: clinical testing. Allele origin: germline.

Color Diagnostics, LLC DBA Color Health
Classification: Likely benign for Hereditary cancer-predisposing syndrome. Last evaluated: 2018-05-10. Review status: criteria provided, single submitter. Criteria: ACMG Guidelines, 2015. Collection method: clinical testing. Allele origin: germline.

Ambry Genetics
Classification: Likely benign for Hereditary cancer-predisposing syndrome. Last evaluated: 2017-09-18. Review status: criteria provided, single submitter. Criteria: Ambry Variant Classification Scheme 2023. Collection method: clinical testing. Allele origin: germline.